The following is an entry in ClinVar:

ClinVar aggregate classification (germline): Uncertain significance (1 of 4 stars; one submission).

Submission:

Women's Health and Genetics/Laboratory Corporation of America, LabCorp
Classification: Uncertain significance. Last evaluated: 2024-04-22. Review status: criteria provided, single submitter. Criteria: LabCorp Variant Classification Summary - May 2015. Collection method: clinical testing. Allele origin: germline.
Comment: Variant summary: CIC c.3290C>G (p.Ser1097Cys) results in a non-conservative amino acid change in the encoded protein sequence. Four of five in-silico tools predict a benign effect of the variant on protein function. The variant was absent in 251116 control chromosomes. The available data on variant occurrences in the general population are insufficient to allow any conclusion about variant significance. To our knowledge, no occurrence of c.3290C>G in individuals affected with Mental Retardation, Autosomal Dominant 45 and no experimental evidence demonstrating its impact on protein function have been reported. No submitters have cited clinical-significance assessments for this variant to ClinVar. Based on the evidence outlined above, the variant was classified as uncertain significance.

NM_001386298.1(CIC):c.6017C>G (p.Ser2006Cys)

Gene: CIC (capicua transcriptional repressor; plus strand). Cytogenetic location: 19q13.2.
Variant type: single nucleotide variant.
Coding change: c.6017C>G on transcript NM_001386298.1 (MANE Select); coding-DNA position 6017, C replaced by G.
Protein change: p.Ser2006Cys; replaces serine 2006 with cysteine.
Molecular consequence: missense variant.
Genome position (GRCh38, 1-based): chr19:42,292,680, C>G. VCF-style: chr19-42292680-C-G. GRCh37 (hg19) VCF-style: chr19-42796832-C-G.
Other names: c.6017C>G, p.Ser2006Cys (NM_001304815.2, NM_001379480.1, NM_001379482.1); c.3290C>G, p.Ser1097Cys (NM_001379484.1, NM_001379485.1, NM_015125.5); short protein forms S1097C, S2006C.
Identifiers: ClinVar variation 3251820 (VCV003251820.1), dbSNP rs2147308954.